The following is an entry in ClinVar:

NM_015158.5(KANK1):c.2465G>C (p.Gly822Ala)

Gene: KANK1 (KN motif and ankyrin repeat domains 1; plus strand). Cytogenetic location: 9p24.3.
Variant type: single nucleotide variant.
Coding change: c.2465G>C on transcript NM_015158.5 (MANE Select); coding-DNA position 2465, G replaced by C.
Protein change: p.Gly822Ala; replaces glycine 822 with alanine.
Molecular consequence: missense variant. On other transcripts: non-coding transcript variant (1).
Genome position (GRCh38, 1-based): chr9:713,231, G>C. VCF-style: chr9-713231-G-C. GRCh37 (hg19) VCF-style: chr9-713231-G-C.
Other names: c.2465G>C (NM_015158.2); c.2465G>C, p.Gly822Ala (NM_001256876.3, NM_001256877.3, NM_001354331.2 and 2 more transcripts); c.1991G>C, p.Gly664Ala (NM_001354333.2, NM_001354335.2, NM_001354336.2 and 9 more transcripts); short protein forms G664A, G822A.
Identifiers: ClinVar variation 3712572 (VCV003712572.3).
Genomic context (GRCh38, chr9:713,231, plus strand): 5'-ACCCTGTAGGGGAATCTCTGGAGAACCCCCAGCCTCAAGCTCCACTTGGAATGATGACTG[G>C]CCTGGATCACTACATTGAGCGTATCCAGAAGCTGCTGGCAGAACAGCAGACACTGCTGGC-3'
Protein context (NP_055973.2, residues 812-832): QPQAPLGMMT[Gly822Ala]LDHYIERIQK

ClinVar aggregate classification (germline): Uncertain significance. Review status: criteria provided, multiple submitters, no conflicts (2 of 4 stars). 2 submissions from 2 submitters: Uncertain significance (2). Last evaluated 2025-07-15.

gnomAD v4.1: 47 of 1,603,662 alleles (0.0029%); highest among the groups gnomAD compares: Middle Eastern, 0.017%; no homozygotes.

Submissions (2):

Ambry Genetics
Classification: Uncertain significance. Last evaluated: 2025-07-15. Review status: criteria provided, single submitter. Criteria: Ambry Variant Classification Scheme 2023. Collection method: clinical testing. Allele origin: germline.

Labcorp Genetics (formerly Invitae), Labcorp
Classification: Uncertain significance. Last evaluated: 2025-01-06. Review status: criteria provided, single submitter. Criteria: Invitae Variant Classification Sherloc (09022015). Collection method: clinical testing. Allele origin: germline.
Comment: This sequence change replaces glycine, which is neutral and non-polar, with alanine, which is neutral and non-polar, at codon 822 of the KANK1 protein (p.Gly822Ala). This variant is present in population databases (rs765871513, gnomAD 0.003%). This variant has not been reported in the literature in individuals affected with KANK1-related conditions. Invitae Evidence Modeling of protein sequence and biophysical properties (such as structural, functional, and spatial information, amino acid conservation, physicochemical variation, residue mobility, and thermodynamic stability) indicates that this missense variant is not expected to disrupt KANK1 protein function with a negative predictive value of 80%. In summary, the available evidence is currently insufficient to determine the role of this variant in disease. Therefore, it has been classified as a Variant of Uncertain Significance.